The following continues an entry in ClinVar:

NM_006767.4(LZTR1):c.742G>A (p.Gly248Arg)

Gene: LZTR1. ClinVar aggregate classification (germline): Likely pathogenic. Likely pathogenic (1).

Submissions 7 to 21 of 31:

Division of Genetic & Genomic Pathology, Hong Kong Children's Hospital
Classification: Likely pathogenic for LZTR1-related Noonan syndrome. Last evaluated: 2025-01-20. Review status: criteria provided, single submitter. Criteria: ACMG Guidelines, 2015. Collection method: clinical testing. Allele origin: germline. Affected: yes. Not counted in ClinVar's aggregate classification.
Comment: The LZTR1 c.742G>A p.(Gly248Arg) is a missense variant located in exon 8 (out of 21 exons) of the LZTR1 gene. This variant has been classified as likely pathogenic for autosomal dominant form of Noonan syndrome by the ClinGen RASopathy Variant Curation Expert Panel. It is rare in population controls (gnomAD v4.1.0: total 6 alleles; highest allele frequency of 1/59990 in Admixed American). It has been reported in multiple patients with features of Noonan syndrome (PMID: 25795793, 30859559, 31533111). Schwannomatosis has not been observed in individuals harboring this variant. In-silico prediction by REVEL suggests that it is moderately deleterious (REVEL score 0.839). Overall, the LZTR1 c.742G>A p.(Gly248Arg) variant is classified as likely pathogenic.

Equipe Genetique des Anomalies du Developpement, Université de Bourgogne
Classification: Pathogenic for Noonan syndrome 10. Last evaluated: 2024-10-21. Review status: criteria provided, single submitter. Criteria: ACMG Guidelines, 2015. Collection method: clinical testing. Allele origin: paternal. Affected: yes. Not counted in ClinVar's aggregate classification.
Comment: This missense, heterozygous NM_006767.4,c.742 G>A (p.Gly248Arg) variant in the gene LZTR1 is predicted to substitute glycine (neutral and non-polar), with arginine (basic and polar). In silico prediction scores are in favour of a damaging effect. This variant is reported as likely pathogenic and pathogenic numerous times in ClinVar (VCV000209088.45). This variant has been reported 6 times in gnomAD exomes (v4.1.0). Monoallelic pathogenic variants in this gene are responsible for Noonan syndrome and a susceptibility to Schwannomatosis (OMIM # 615670, 616564, 605275). According to available evidence, this variant is considered to be pathogenic.

Genomic Medicine Center of Excellence, King Faisal Specialist Hospital and Research Centre
Classification: Pathogenic for LZTR1-related schwannomatosis. Last evaluated: 2024-09-02. Review status: criteria provided, single submitter. Criteria: ACMG Guidelines, 2015. Collection method: clinical testing. Allele origin: germline. Not counted in ClinVar's aggregate classification.

Institute of Medical Genetics and Applied Genomics, University Hospital Tübingen
Classification: Pathogenic for Noonan syndrome 10. Last evaluated: 2024-06-26. Review status: criteria provided, single submitter. Criteria: ACMG Guidelines, 2015. Collection method: clinical testing. Allele origin: de novo. Inheritance: Autosomal dominant inheritance. Affected: yes. Not counted in ClinVar's aggregate classification.

Blueprint Genetics
Classification: Pathogenic for LZTR1-related disorders. Last evaluated: 2024-03-12. Review status: criteria provided, single submitter. Criteria: ACMG Guidelines, 2015. Collection method: clinical testing. Allele origin: germline. Affected: yes. Observed: 5 variant alleles. Not counted in ClinVar's aggregate classification.

Women's Health and Genetics/Laboratory Corporation of America, LabCorp
Classification: Pathogenic for RASopathy. Last evaluated: 2024-03-11. Review status: criteria provided, single submitter. Criteria: LabCorp Variant Classification Summary - May 2015. Collection method: clinical testing. Allele origin: germline. Not counted in ClinVar's aggregate classification.
Comment: Variant summary: LZTR1 c.742G>A (p.Gly248Arg) results in a non-conservative amino acid change located in the Kelch repeat type 1 (IPR006652) of the encoded protein sequence. Five of five in-silico tools predict a damaging effect of the variant on protein function. The frequency data for this variant in gnomAD is considered unreliable, as metrics indicate poor data quality at this position. c.742G>A has been reported in the literature in multiple individuals (including familial and de novo cases) affected with Noonan Syndrome And Related Conditions (e.g. Clinton_2020, Umeki_2019, Yamamoto_2015). These data indicate that the variant is very likely to be associated with disease. Experimental evidence evaluating an impact on protein function demonstrated the variant to result in increased RAS activation and upregulation of the MAPK pathway, consistent with a gain-of-function molecular mechanism of disease (Bigenzahn_2018, Motta_2019). The following publications have been ascertained in the context of this evaluation (PMID: 30442766, 31825158, 30481304, 30859559, 30442762, 30368668, 25795793). ClinVar contains an entry for this variant (Variation ID: 209088). Based on the evidence outlined above, the variant was classified as pathogenic.

Laboratory of Medical Genetics, National & Kapodistrian University of Athens
Classification: Pathogenic for Noonan syndrome 10. Last evaluated: 2022-12-27. Review status: criteria provided, single submitter. Criteria: ACMG Guidelines, 2015. Collection method: clinical testing. Allele origin: de novo. Affected: yes. Not counted in ClinVar's aggregate classification.
Comment: PS2, PS3, PM1, PM2, PM5, PP3, PP5

Laboratorio de Genetica e Diagnostico Molecular, Hospital Israelita Albert Einstein
Classification: Pathogenic for Noonan syndrome 10. Last evaluated: 2022-11-25. Review status: criteria provided, single submitter. Criteria: ACMG Guidelines, 2015. Collection method: clinical testing. Allele origin: germline. Affected: yes. Observed: 1 variant allele. Not counted in ClinVar's aggregate classification.
Comment: ACMG classification criteria: PS3 supporting, PS4 strong, PM2 moderated, PM5 moderated, PM6 moderated, PP1 supporting, PP3 supporting

GeneDx
Classification: Pathogenic. Last evaluated: 2022-07-05. Review status: criteria provided, single submitter. Criteria: GeneDx Variant Classification Process June 2021. Collection method: clinical testing. Allele origin: germline. Affected: yes. Not counted in ClinVar's aggregate classification.
Comment: Published functional studies demonstrate a damaging effect due to upregulation of the RAS-MAPK signaling pathway (Motta et al., 2019); In silico analysis supports that this missense variant has a deleterious effect on protein structure/function; Not observed at significant frequency in large population cohorts (gnomAD); This variant is associated with the following publications: (PMID: 26446362, 27942422, 31533111, 23917401, 25795793, 28944487, 30481304, 28991257, 30368668, 31324109, 30859559, 31825158, 32981126, 32368696)

Laboratory of Human Genetics, Universidade de São Paulo
Classification: Pathogenic for Noonan syndrome 10. Last evaluated: 2022-06-27. Review status: criteria provided, single submitter. Criteria: ACMG Guidelines, 2015. Collection method: research. Allele origin: de novo. Affected: yes. Observed: 1 variant allele, 1 heterozygote. Not counted in ClinVar's aggregate classification.
Comment: This variant meets our criteria to be classified as pathogenic based upon segregation studies, absence from controls, and in-silico evaluation of pathogenicity.

MGZ Medical Genetics Center
Classification: Pathogenic for Noonan syndrome 10. Last evaluated: 2022-06-27. Review status: criteria provided, single submitter. Criteria: ACMG Guidelines, 2015. Collection method: clinical testing. Allele origin: germline. Affected: yes. Observed: 1 variant allele. Not counted in ClinVar's aggregate classification.
Comment: ACMG criteria applied: PS3, PS4_MOD, PM1, PM2_SUP, PP3

Clinical Genetics Laboratory, Skane University Hospital Lund
Classification: Pathogenic. Last evaluated: 2022-05-27. Review status: criteria provided, single submitter. Criteria: ACMG Guidelines, 2015. Collection method: clinical testing. Allele origin: germline. Affected: yes. Not counted in ClinVar's aggregate classification.

MVZ Martinsried, Medicover Genetics
Classification: Pathogenic for Noonan syndrome 10. Last evaluated: 2022-04-22. Review status: criteria provided, single submitter. Criteria: ACGS Guidelines, 2020. Collection method: clinical testing. Allele origin: de novo. Affected: yes. Not counted in ClinVar's aggregate classification.

Ambry Genetics
Classification: Pathogenic for Cardiovascular phenotype; Hereditary cancer-predisposing syndrome. Last evaluated: 2020-10-16. Review status: criteria provided, single submitter. Criteria: Ambry Variant Classification Scheme 2023. Collection method: clinical testing. Allele origin: germline. Not counted in ClinVar's aggregate classification.
Comment: The p.G248R pathogenic mutation (also known as c.742G>A), located in coding exon 8 of the LZTR1 gene, results from a G to A substitution at nucleotide position 742. The glycine at codon 248 is replaced by arginine, an amino acid with dissimilar properties. This alteration has been detected in multiple individuals with a clinical diagnosis of autosomal dominant Noonan syndrome, and has been shown to segregate with disease in several families (G&uuml;emes M et al. Horm Res Paediatr, 2019 Sep;92:269-275; Chinton J et al. Am J Med Genet A, 2020 02;182:409-414; Yamamoto GL et al. J Med Genet, 2015 Jun;52:413-21). This alteration has also been shown as a recurrent de novo alteration in individuals with autosomal dominant Noonan syndrome (Chinton J et al. Am J Med Genet A, 2020 02;182:409-414). This amino acid position is highly conserved in available vertebrate species. In addition, this alteration is predicted to be deleterious by in silico analysis. Based on the supporting evidence, this alteration is pathogenic for autosomal dominant Noonan syndrome; however, the association of this alteration with an increased risk of LZTR1-related schwannomatosis (SWN) is unknown.

HudsonAlpha Institute for Biotechnology
Classification: Pathogenic for Noonan syndrome 10. Last evaluated: 2020-09-03. Review status: criteria provided, single submitter. Criteria: ACMG Guidelines, 2015. Collection method: research. Allele origin: paternal. Affected: yes. Observed: 1 variant allele. Study: CSER-SouthSeq. Not counted in ClinVar's aggregate classification.
Comment: ACMG codes:PS3, PS4M, PM1, PM2, PP3